The following is an entry in ClinVar:

ClinVar aggregate classification (germline): Benign/Likely benign. Review status: criteria provided, multiple submitters, no conflicts (2 of 4 stars). 3 submissions from 3 submitters: Benign (1); Likely benign (2). Last evaluated 2024-05-24.

Conditions:
Ataxia-telangiectasia syndrome (AT). Also called: Ataxia telangiectasia (A-T); ATAXIA-TELANGIECTASIA, COMPLEMENTATION GROUP A; ATAXIA-TELANGIECTASIA, FRESNO VARIANT; Ataxia-telangiectasia; Ataxia-telangiectasia, complementation group E; LOUIS-BAR SYNDROME. Identifiers: Orphanet 100, MedGen C0004135, MONDO:0008840, OMIM 208900.
Hereditary cancer-predisposing syndrome. Also called: Neoplastic Syndromes, Hereditary; Tumor predisposition; Hereditary Cancer Syndrome; Hereditary neoplastic syndrome. Identifiers: Orphanet 140162, MedGen C0027672, MeSH D009386, MONDO:0015356.
Familial cancer of breast. Also called: Hereditary breast cancer; hereditary breast carcinoma; BREAST CANCER, FAMILIAL. Identifiers: Orphanet 227535, MedGen C0346153, MONDO:0016419, OMIM 114480. Disease mechanism: loss of function.

gnomAD v4.1: 1 of 1,613,354 alleles (0.000062%); highest among the groups gnomAD compares: South Asian, 0.0011%; no homozygotes.

Submissions (3):

Myriad Genetics, Inc.
Classification: Benign for Familial cancer of breast. Last evaluated: 2024-05-24. Review status: criteria provided, single submitter. Criteria: Myriad Autosomal Dominant, Autosomal Recessive and X-Linked Classification Criteria (2023). Collection method: clinical testing. Allele origin: unknown.
Comment: This variant is considered benign. This variant is a silent/synonymous amino acid change and it is not expected to impact splicing.

Labcorp Genetics (formerly Invitae), Labcorp
Classification: Likely benign for Ataxia-telangiectasia syndrome. Last evaluated: 2023-10-13. Review status: criteria provided, single submitter. Criteria: Invitae Variant Classification Sherloc (09022015). Collection method: clinical testing. Allele origin: germline.

Ambry Genetics
Classification: Likely benign for Hereditary cancer-predisposing syndrome. Last evaluated: 2020-08-17. Review status: criteria provided, single submitter. Criteria: Ambry Variant Classification Scheme 2023. Collection method: clinical testing. Allele origin: germline.

NM_000051.4(ATM):c.5868C>G (p.Leu1956=)

Genes: ATM (ATM serine/threonine kinase; plus strand), C11orf65 (chromosome 11 open reading frame 65; minus strand). Cytogenetic location: 11q22.3.
Variant type: single nucleotide variant.
Coding change: c.5868C>G on transcript NM_000051.4 (MANE Select); coding-DNA position 5868, C replaced by G.
Protein change: p.Leu1956=; no amino-acid change (leucine 1956 retained).
Molecular consequence: synonymous variant. On other transcripts: intron variant (2).
Genome position (GRCh38, 1-based): chr11:108,310,265, C>G. VCF-style: chr11-108310265-C-G. GRCh37 (hg19) VCF-style: chr11-108180992-C-G.
Other names: c.5868C>G, p.Leu1956= (NM_001351834.2); c.641-1194G>C (NM_001330368.2); c.*39-1194G>C (NM_001351110.2).
Identifiers: ClinVar variation 1046406 (VCV001046406.12), dbSNP rs540054724, ClinGen allele CA476675498.